The following is an entry in ClinVar:

NM_138711.6(PPARG):c.-8-28102A>G

Gene: PPARG (peroxisome proliferator activated receptor gamma; plus strand). Cytogenetic location: 3p25.2.
Variant type: single nucleotide variant.
Coding change: c.-8-28102A>G on transcript NM_138711.6 (MANE Select); 28102 bases into the intron before 8 bases upstream of the start codon, A replaced by G.
Molecular consequence: intron variant. On other transcripts: missense variant (3).
Genome position (GRCh38, 1-based): chr3:12,351,602, A>G. VCF-style: chr3-12351602-A-G. GRCh37 (hg19) VCF-style: chr3-12393101-A-G.
Other names: c.10A>G, p.Thr4Ala (NM_001354668.2, NM_001374265.1, NM_015869.5); c.-8-28102A>G (NM_001354666.3, NM_138712.5, NM_005037.7 and 5 more transcripts); c.-435-28102A>G (NM_001354669.2); c.-9+6708A>G (NM_001374262.3); c.-2-28102A>G (NM_001374266.1, NM_001354670.2); short protein forms T4A.
Identifiers: ClinVar variation 5000526 (VCV005000526.1).

ClinVar aggregate classification (germline): Uncertain significance (1 of 4 stars; one submission).

Conditions:
PPARG-related disorder. Also called: PPARG-related disorders; PPARG-related condition.

Submission:

PreventionGenetics, part of Exact Sciences
Classification: Uncertain significance for PPARG-related condition. Last evaluated: 2025-07-01. Review status: criteria provided, single submitter. Criteria: ACMG Guidelines, 2015. Collection method: clinical testing. Allele origin: germline.
Comment: The PPARG c.10A>G variant is predicted to result in the amino acid substitution p.Thr4Ala. This alteration has been reported as a variant of uncertain significance in an individual with familial partial lipodystrophy type 3 (Dron et al. 2020. PubMed ID: 32041611). This variant has not been reported in a large population database (gnomAD), indicating this variant is rare. At this time, the clinical significance of this variant is uncertain due to the absence of conclusive functional and genetic evidence.